The following is an entry in ClinVar:

ClinVar aggregate classification (germline): Conflicting classifications of pathogenicity. Review status: criteria provided, conflicting classifications (1 of 4 stars). 4 submissions from 4 submitters: Uncertain significance (3); Likely benign (1). Last evaluated 2025-02-12.

Conditions:
Hereditary cancer-predisposing syndrome. Also called: Neoplastic Syndromes, Hereditary; Tumor predisposition; Hereditary Cancer Syndrome; Hereditary neoplastic syndrome. Identifiers: Orphanet 140162, MedGen C0027672, MeSH D009386, MONDO:0015356.
Familial cancer of breast. Also called: BREAST CANCER, FAMILIAL; hereditary breast carcinoma; Hereditary breast cancer. Identifiers: Orphanet 227535, MedGen C0346153, MONDO:0016419, OMIM 114480. Disease mechanism: loss of function.

Submissions (4):

Labcorp Genetics (formerly Invitae), Labcorp
Classification: Uncertain significance for Familial cancer of breast. Last evaluated: 2025-02-12. Review status: criteria provided, single submitter. Criteria: Invitae Variant Classification Sherloc (09022015). Collection method: clinical testing. Allele origin: germline.
Comment: This sequence change replaces lysine, which is basic and polar, with glutamic acid, which is acidic and polar, at codon 486 of the PALB2 protein (p.Lys486Glu). This variant is not present in population databases (gnomAD no frequency). This missense change has been observed in individual(s) with breast cancer (PMID: 30638972). ClinVar contains an entry for this variant (Variation ID: 231086). Invitae Evidence Modeling of protein sequence and biophysical properties (such as structural, functional, and spatial information, amino acid conservation, physicochemical variation, residue mobility, and thermodynamic stability) indicates that this missense variant is not expected to disrupt PALB2 protein function with a negative predictive value of 80%. In summary, the available evidence is currently insufficient to determine the role of this variant in disease. Therefore, it has been classified as a Variant of Uncertain Significance.

Color Diagnostics, LLC DBA Color Health
Classification: Uncertain significance for Hereditary cancer-predisposing syndrome. Last evaluated: 2024-09-18. Review status: criteria provided, single submitter. Criteria: ACMG Guidelines, 2015. Collection method: clinical testing. Allele origin: germline.
Comment: This missense variant replaces lysine with glutamic acid at codon 486 of the PALB2 protein. Computational prediction suggests that this variant may not impact protein structure and function. To our knowledge, functional studies have not been reported for this variant. This variant has not been reported in individuals affected with PALB2-related disorders in the literature. This variant has not been identified in the general population by the Genome Aggregation Database (gnomAD). The available evidence is insufficient to determine the role of this variant in disease conclusively. Therefore, this variant is classified as a Variant of Uncertain Significance.

Ambry Genetics
Classification: Likely benign for Hereditary cancer-predisposing syndrome. Last evaluated: 2023-05-16. Review status: criteria provided, single submitter. Criteria: Ambry Variant Classification Scheme 2023. Collection method: clinical testing. Allele origin: germline.

GeneDx
Classification: Uncertain significance. Last evaluated: 2020-11-12. Review status: criteria provided, single submitter. Criteria: GeneDx Variant Classification Process June 2021. Collection method: clinical testing. Allele origin: germline. Affected: yes.
Comment: Not observed in large population cohorts (Lek 2016); In silico analysis supports that this missense variant does not alter protein structure/function; Has not been previously published as germline pathogenic or benign to our knowledge; This variant is associated with the following publications: (PMID: 24448499)

Literature cited by the submitters: PubMed 30638972 (cited by Labcorp Genetics (formerly Invitae), Labcorp); PubMed 24448499 (cited by Ambry Genetics).

NM_024675.4(PALB2):c.1456A>G (p.Lys486Glu)

Gene: PALB2 (partner and localizer of BRCA2; minus strand). Cytogenetic location: 16p12.2.
Variant type: single nucleotide variant.
Coding change: c.1456A>G on transcript NM_024675.4 (MANE Select); coding-DNA position 1456, A replaced by G.
Protein change: p.Lys486Glu; replaces lysine 486 with glutamic acid.
Molecular consequence: missense variant.
Genome position (GRCh38, 1-based): chr16:23,635,090, T>C on the plus strand (A>G on the coding strand, the complement: PALB2 is on the minus strand). VCF-style: chr16-23635090-T-C. GRCh37 (hg19) VCF-style: chr16-23646411-T-C.
Other names: short protein forms K486E.
Identifiers: ClinVar variation 231086 (VCV000231086.18), dbSNP rs876658949, ClinGen allele CA10580008.